The following is an entry in ClinVar:

ClinVar aggregate classification (germline): Uncertain significance. Review status: criteria provided, multiple submitters, no conflicts (2 of 4 stars). 2 submissions from 2 submitters: Uncertain significance (2). Last evaluated 2024-08-12.

Conditions:
Inborn genetic diseases. Identifiers: MedGen C0950123, MeSH D030342.

Allele frequency attached by ClinVar (database versions not stated): TOPMed below 0.00001; ExAC 0.00002; gnomAD exomes 0.00002.
gnomAD v4.1: 12 of 1,613,960 alleles (0.00074%); highest among the groups gnomAD compares: Admixed American, 0.01%; no homozygotes.

Submissions (2):

Ambry Genetics
Classification: Uncertain significance for Inborn genetic diseases. Last evaluated: 2024-08-12. Review status: criteria provided, single submitter. Criteria: Ambry Variant Classification Scheme 2023. Collection method: clinical testing. Allele origin: germline.

Labcorp Genetics (formerly Invitae), Labcorp
Classification: Uncertain significance. Last evaluated: 2022-08-09. Review status: criteria provided, single submitter. Criteria: Invitae Variant Classification Sherloc (09022015). Collection method: clinical testing. Allele origin: germline.
Comment: This sequence change replaces asparagine, which is neutral and polar, with threonine, which is neutral and polar, at codon 4402 of the FAT1 protein (p.Asn4402Thr). This variant is present in population databases (rs778375461, gnomAD 0.01%). This variant has not been reported in the literature in individuals affected with FAT1-related conditions. ClinVar contains an entry for this variant (Variation ID: 1463117). Algorithms developed to predict the effect of missense changes on protein structure and function are either unavailable or do not agree on the potential impact of this missense change (SIFT: "Deleterious"; PolyPhen-2: "Benign"; Align-GVGD: "Class C0"). In summary, the available evidence is currently insufficient to determine the role of this variant in disease. Therefore, it has been classified as a Variant of Uncertain Significance.

NM_005245.4(FAT1):c.13205A>C (p.Asn4402Thr)

Genes: FAT1 (FAT atypical cadherin 1; minus strand), LOC126807253 (BRD4-independent group 4 enhancer GRCh37_chr4:187509297-187510496; plus strand). Cytogenetic location: 4q35.2.
Variant type: single nucleotide variant.
Coding change: c.13205A>C on transcript NM_005245.4 (MANE Select); coding-DNA position 13205, A replaced by C.
Protein change: p.Asn4402Thr; replaces asparagine 4402 with threonine.
Molecular consequence: missense variant.
Genome position (GRCh38, 1-based): chr4:186,589,154, T>G on the plus strand (A>C on the coding strand, the complement: FAT1 is on the minus strand). VCF-style: chr4-186589154-T-G. GRCh37 (hg19) VCF-style: chr4-187510308-T-G.
Other names: c.13205A>C (NM_005245.3); short protein forms N4402T.
Identifiers: ClinVar variation 1463117 (VCV001463117.4), dbSNP rs778375461, ClinGen allele CA3164585.